The following is an entry in ClinVar:

ClinVar aggregate classification (germline): Uncertain significance (1 of 4 stars; one submission).

Submission:

GeneDx
Classification: Uncertain significance. Last evaluated: 2025-01-07. Review status: criteria provided, single submitter. Criteria: GeneDx Variant Classification Process June 2021. Collection method: clinical testing. Allele origin: germline. Affected: yes.
Comment: Not observed at significant frequency in large population cohorts (gnomAD); In silico analysis supports that this missense variant has a deleterious effect on protein structure/function; Has not been previously published as pathogenic or benign to our knowledge; This substitution is predicted to be in the cytoplasmic loop between the first and second homologous domains

NM_001040142.2(SCN2A):c.2122G>C (p.Ala708Pro)

Gene: SCN2A (sodium voltage-gated channel alpha subunit 2; plus strand). Cytogenetic location: 2q24.3.
Variant type: single nucleotide variant.
Coding change: c.2122G>C on transcript NM_001040142.2 (MANE Select); coding-DNA position 2122, G replaced by C.
Protein change: p.Ala708Pro; replaces alanine 708 with proline.
Molecular consequence: missense variant.
Genome position (GRCh38, 1-based): chr2:165,326,957, G>C. VCF-style: chr2-165326957-G-C. GRCh37 (hg19) VCF-style: chr2-166183467-G-C.
Other names: c.2122G>C, p.Ala708Pro (NM_001040143.2, NM_001371246.1, NM_001371247.1 and 1 more transcripts); short protein forms A708P.
Identifiers: ClinVar variation 4056049 (VCV004056049.1).
Genomic context (GRCh38, chr2:165,326,957, plus strand): 5'-TATCATGTTTCCATGGATTTATTGGAAGATCCTACATCAAGGCAAAGAGCAATGAGTATA[G>C]CCAGTATTTTGACCAACACCATGGAAGGTATGTTAAAAGTCCTGCGTCACAGTTACTTGG-3'
Protein context (NP_001035232.1, residues 698-718): PTSRQRAMSI[Ala708Pro]SILTNTMEEL